The following is an entry in ClinVar:

ClinVar aggregate classification (germline): Uncertain significance (1 of 4 stars; one submission).

gnomAD v4.1: 1 of 1,614,016 alleles (0.000062%); highest among the groups gnomAD compares: Non-Finnish European, 0.000085%; no homozygotes.

Submission:

Ambry Genetics
Classification: Uncertain significance. Last evaluated: 2026-03-27. Review status: criteria provided, single submitter. Criteria: Ambry Variant Classification Scheme 2023. Collection method: clinical testing. Allele origin: germline.
Comment: The p.S222T variant (also known as c.665G>C), located in coding exon 1 of the CDK12 gene, results from a G to C substitution at nucleotide position 665. The serine at codon 222 is replaced by threonine, an amino acid with similar properties. This amino acid position is conserved. In addition, this alteration is predicted to be tolerated by in silico analysis. Based on the available evidence, the clinical significance of this variant remains unclear.

NM_016507.4(CDK12):c.665G>C (p.Ser222Thr)

Genes: CDK12 (cyclin dependent kinase 12; plus strand), LOC126862553 (CDK7 strongly-dependent group 2 enhancer GRCh37_chr17:37618166-37619365; plus strand). Cytogenetic location: 17q12.
Variant type: single nucleotide variant.
Coding change: c.665G>C on transcript NM_016507.4 (MANE Select); coding-DNA position 665, G replaced by C.
Protein change: p.Ser222Thr; replaces serine 222 with threonine.
Molecular consequence: missense variant.
Genome position (GRCh38, 1-based): chr17:39,462,736, G>C. VCF-style: chr17-39462736-G-C. GRCh37 (hg19) VCF-style: chr17-37618989-G-C.
Other names: c.665G>C, p.Ser222Thr (NM_015083.4); short protein forms S222T.
Identifiers: ClinVar variation 4868462 (VCV004868462.1).